The following is an entry in ClinVar:

NM_031220.4(PITPNM3):c.769A>G (p.Ser257Gly)

Gene: PITPNM3 (PITPNM family member 3; minus strand). Cytogenetic location: 17p13.2.
Variant type: single nucleotide variant.
Coding change: c.769A>G on transcript NM_031220.4 (MANE Select); coding-DNA position 769, A replaced by G.
Protein change: p.Ser257Gly; replaces serine 257 with glycine.
Molecular consequence: missense variant.
Genome position (GRCh38, 1-based): chr17:6,478,555, T>C on the plus strand (A>G on the coding strand, the complement: PITPNM3 is on the minus strand). VCF-style: chr17-6478555-T-C. GRCh37 (hg19) VCF-style: chr17-6381875-T-C.
Other names: c.661A>G, p.Ser221Gly (NM_001165966.2); short protein forms S257G, S221G.
Identifiers: ClinVar variation 1520814 (VCV001520814.8), dbSNP rs1477319499, ClinGen allele CA397408928.

ClinVar aggregate classification (germline): Uncertain significance (1 of 4 stars; one submission).

Allele frequency attached by ClinVar (database versions not stated): gnomAD 0.00001; gnomAD exomes 0.00001 and 0.00006; TOPMed 0.00002.

Submission:

Labcorp Genetics (formerly Invitae), Labcorp
Classification: Uncertain significance. Last evaluated: 2024-06-02. Review status: criteria provided, single submitter. Criteria: Invitae Variant Classification Sherloc (09022015). Collection method: clinical testing. Allele origin: germline.
Comment: This sequence change replaces serine, which is neutral and polar, with glycine, which is neutral and non-polar, at codon 257 of the PITPNM3 protein (p.Ser257Gly). This variant is present in population databases (no rsID available, gnomAD 0.003%). This variant has not been reported in the literature in individuals affected with PITPNM3-related conditions. ClinVar contains an entry for this variant (Variation ID: 1520814). Advanced modeling of protein sequence and biophysical properties (such as structural, functional, and spatial information, amino acid conservation, physicochemical variation, residue mobility, and thermodynamic stability) performed at Invitae indicates that this missense variant is not expected to disrupt PITPNM3 protein function with a negative predictive value of 80%. In summary, the available evidence is currently insufficient to determine the role of this variant in disease. Therefore, it has been classified as a Variant of Uncertain Significance.